The following is an entry in ClinVar:

ClinVar aggregate classification (germline): Uncertain significance (1 of 4 stars; one submission).

Conditions:
Hereditary cancer-predisposing syndrome. Also called: Neoplastic Syndromes, Hereditary; Tumor predisposition; Hereditary neoplastic syndrome; Hereditary Cancer Syndrome. Identifiers: Orphanet 140162, MedGen C0027672, MeSH D009386, MONDO:0015356.

Submission:

Ambry Genetics
Classification: Uncertain significance for Hereditary cancer-predisposing syndrome. Last evaluated: 2019-10-14. Review status: criteria provided, single submitter. Criteria: Ambry Variant Classification Scheme 2023. Collection method: clinical testing. Allele origin: germline.
Comment: The p.A131D variant (also known as c.392C>A), located in coding exon 1 of the AXIN2 gene, results from a C to A substitution at nucleotide position 392. The alanine at codon 131 is replaced by aspartic acid, an amino acid with dissimilar properties. This amino acid position is highly conserved in available vertebrate species. In addition, this alteration is predicted to be deleterious by in silico analysis. Since supporting evidence is limited at this time, the clinical significance of this alteration remains unclear.

NM_004655.4(AXIN2):c.392C>A (p.Ala131Asp)

Gene: AXIN2 (axin 2; minus strand). Cytogenetic location: 17q24.1.
Variant type: single nucleotide variant.
Coding change: c.392C>A on transcript NM_004655.4 (MANE Select); coding-DNA position 392, C replaced by A.
Protein change: p.Ala131Asp; replaces alanine 131 with aspartic acid.
Molecular consequence: missense variant.
Genome position (GRCh38, 1-based): chr17:65,558,229, G>T on the plus strand (C>A on the coding strand, the complement: AXIN2 is on the minus strand). VCF-style: chr17-65558229-G-T. GRCh37 (hg19) VCF-style: chr17-63554347-G-T.
Other names: c.392C>A, p.Ala131Asp (NM_001363813.1); short protein forms A131D.
Identifiers: ClinVar variation 824395 (VCV000824395.4), dbSNP rs947743204, ClinGen allele CA400681493.
Genomic context (GRCh38, chr17:65,558,229, plus strand): 5'-GGCTTCAGCTGCTTGGAGACAATGCTGTTGTTCTCAATGTACCTTTTGTAGATCGCTTTG[G>T]CTACTCGTAAAGTTTTGGTATCCTTCAGGTTCATCTGCCTGAATCCATTGCAGGCAAACC-3'
Protein context (NP_004646.3, residues 121-141): NLKDTKTLRV[Ala131Asp]KAIYKRYIEN